The following is an entry in ClinVar:

NM_015662.3(IFT172):c.3952-6A>C

Gene: IFT172 (intraflagellar transport 172; minus strand). Cytogenetic location: 2p23.3.
Variant type: single nucleotide variant.
Coding change: c.3952-6A>C on transcript NM_015662.3 (MANE Select); 6 bases into the intron before coding-DNA position 3952, A replaced by C.
Molecular consequence: intron variant.
Genome position (GRCh38, 1-based): chr2:27,450,102, T>G on the plus strand (A>C on the coding strand, the complement: IFT172 is on the minus strand). VCF-style: chr2-27450102-T-G. GRCh37 (hg19) VCF-style: chr2-27672969-T-G.
Other names: c.3952-6A>C (NM_015662.2).
Identifiers: ClinVar variation 1569833 (VCV001569833.9), dbSNP rs908057940, ClinGen allele CA531765530.

ClinVar aggregate classification (germline): Likely benign. Review status: criteria provided, single submitter (1 of 4 stars). 2 submissions from 2 submitters: Likely benign (1). 1 of the submissions does not count toward it. Last evaluated 2022-11-29.

Conditions:
IFT172-related disorder. Also called: IFT172-related condition; IFT172-related disorders.
Short-rib thoracic dysplasia 10 with or without polydactyly (SRTD10). Identifiers: Orphanet 474, MedGen C3810175, MONDO:0014284, OMIM 615630.
Retinitis pigmentosa 71 (RP71). Identifiers: Orphanet 791, MedGen C4225342, MONDO:0014618, OMIM 616394.

Allele frequency attached by ClinVar (database versions not stated): gnomAD exomes below 0.00001.
gnomAD v4.1: 4 of 1,605,666 alleles (0.00025%); highest among the groups gnomAD compares: Admixed American, 0.0017%; no homozygotes.

Submissions (2):

Labcorp Genetics (formerly Invitae), Labcorp
Classification: Likely benign for Retinitis pigmentosa 71; Short-rib thoracic dysplasia 10 with or without polydactyly. Last evaluated: 2022-11-29. Review status: criteria provided, single submitter. Criteria: Invitae Variant Classification Sherloc (09022015). Collection method: clinical testing. Allele origin: germline.

PreventionGenetics, part of Exact Sciences
Classification: Likely benign for IFT172-related condition. Last evaluated: 2021-10-06. Review status: no assertion criteria provided. Collection method: clinical testing. Allele origin: germline. Not counted in ClinVar's aggregate classification.
Comment: This variant is classified as likely benign based on ACMG/AMP sequence variant interpretation guidelines (Richards et al. 2015 PMID: 25741868, with internal and published modifications).